The following is an entry in ClinVar:

ClinVar aggregate classification (germline): Uncertain significance. Review status: criteria provided, multiple submitters, no conflicts (2 of 4 stars). 2 submissions from 2 submitters: Uncertain significance (2). Last evaluated 2024-11-16.

Conditions:
Cardiovascular phenotype. Identifiers: MedGen CN230736.

gnomAD v4.1: 29 of 1,597,808 alleles (0.0018%); highest among the groups gnomAD compares: Admixed American, 0.0052%; no homozygotes.

Submissions (2):

Labcorp Genetics (formerly Invitae), Labcorp
Classification: Uncertain significance. Last evaluated: 2024-11-16. Review status: criteria provided, single submitter. Criteria: Invitae Variant Classification Sherloc (09022015). Collection method: clinical testing. Allele origin: germline.
Comment: This sequence change replaces alanine, which is neutral and non-polar, with valine, which is neutral and non-polar, at codon 252 of the LMF1 protein (p.Ala252Val). This variant is present in population databases (rs773491556, gnomAD 0.01%). This variant has not been reported in the literature in individuals affected with LMF1-related conditions. An algorithm developed to predict the effect of missense changes on protein structure and function (PolyPhen-2) suggests that this variant is likely to be disruptive. In summary, the available evidence is currently insufficient to determine the role of this variant in disease. Therefore, it has been classified as a Variant of Uncertain Significance.

Ambry Genetics
Classification: Uncertain significance for Cardiovascular phenotype. Last evaluated: 2024-05-20. Review status: criteria provided, single submitter. Criteria: Ambry Variant Classification Scheme 2023. Collection method: clinical testing. Allele origin: germline.

NM_022773.4(LMF1):c.755C>T (p.Ala252Val)

Gene: LMF1 (lipase maturation factor 1; minus strand). Cytogenetic location: 16p13.3.
Variant type: single nucleotide variant.
Coding change: c.755C>T on transcript NM_022773.4 (MANE Select); coding-DNA position 755, C replaced by T.
Protein change: p.Ala252Val; replaces alanine 252 with valine.
Molecular consequence: missense variant. On other transcripts: non-coding transcript variant (1).
Genome position (GRCh38, 1-based): chr16:879,712, G>A on the plus strand (C>T on the coding strand, the complement: LMF1 is on the minus strand). VCF-style: chr16-879712-G-A. GRCh37 (hg19) VCF-style: chr16-929712-G-A.
Other names: c.104C>T, p.Ala35Val (NM_001352017.2, NM_001352021.2); c.356C>T, p.Ala119Val (NM_001352018.2); c.428C>T, p.Ala143Val (NM_001352019.2); c.755C>T, p.Ala252Val (NM_001352020.1); short protein forms A119V, A35V, A143V, A252V.
Identifiers: ClinVar variation 3290939 (VCV003290939.3).